The following is an entry in ClinVar:

NM_004204.5(PIGQ):c.842C>G (p.Ser281Cys)

Gene: PIGQ (phosphatidylinositol glycan anchor biosynthesis class Q; plus strand). Cytogenetic location: 16p13.3.
Variant type: single nucleotide variant.
Coding change: c.842C>G on transcript NM_004204.5 (MANE Select); coding-DNA position 842, C replaced by G.
Protein change: p.Ser281Cys; replaces serine 281 with cysteine.
Molecular consequence: missense variant.
Genome position (GRCh38, 1-based): chr16:576,154, C>G. VCF-style: chr16-576154-C-G. GRCh37 (hg19) VCF-style: chr16-626154-C-G.
Other names: c.842C>G, p.Ser281Cys (NM_148920.4); c.842C>G (NM_004204.4, NM_148920.1); short protein forms S281C.
Identifiers: ClinVar variation 1441843 (VCV001441843.8), dbSNP rs1004719821, ClinGen allele CA276483247.

ClinVar aggregate classification (germline): Uncertain significance. Review status: criteria provided, multiple submitters, no conflicts (2 of 4 stars). 3 submissions from 3 submitters: Uncertain significance (3). Last evaluated 2025-04-03.

Conditions:
Developmental and epileptic encephalopathy, 77. Also called: GLYCOSYLPHOSPHATIDYLINOSITOL BIOSYNTHESIS DEFECT 19; MULTIPLE CONGENITAL ANOMALIES-HYPOTONIA-SEIZURES SYNDROME 4; EPILEPTIC ENCEPHALOPATHY, EARLY INFANTILE, 77. Identifiers: MedGen C5231405, MONDO:0032808, OMIM 618548.
Inborn genetic diseases. Identifiers: MedGen C0950123, MeSH D030342.
Epilepsy. Also called: Seizure disorder. Identifiers: MedGen C0014544, MeSH D004827, MONDO:0005027.

Allele frequency attached by ClinVar (database versions not stated): TOPMed below 0.00001; gnomAD 0.00001; gnomAD exomes 0.00001.
gnomAD v4.1: 19 of 1,549,018 alleles (0.0012%); highest among the groups gnomAD compares: Non-Finnish European, 0.0016%; no homozygotes.

Submissions (3):

Ambry Genetics
Classification: Uncertain significance for Inborn genetic diseases. Last evaluated: 2025-04-03. Review status: criteria provided, single submitter. Criteria: Ambry Variant Classification Scheme 2023. Collection method: clinical testing. Allele origin: germline.

Revvity Omics, Revvity
Classification: Uncertain significance for Developmental and epileptic encephalopathy, 77. Last evaluated: 2024-08-06. Review status: criteria provided, single submitter. Criteria: ACMG Guidelines, 2015. Collection method: clinical testing. Allele origin: germline.

Labcorp Genetics (formerly Invitae), Labcorp
Classification: Uncertain significance for Epilepsy. Last evaluated: 2023-07-17. Review status: criteria provided, single submitter. Criteria: Invitae Variant Classification Sherloc (09022015). Collection method: clinical testing. Allele origin: germline.
Comment: This sequence change replaces serine, which is neutral and polar, with cysteine, which is neutral and slightly polar, at codon 281 of the PIGQ protein (p.Ser281Cys). This variant is not present in population databases (gnomAD no frequency). This variant has not been reported in the literature in individuals affected with PIGQ-related conditions. ClinVar contains an entry for this variant (Variation ID: 1441843). An algorithm developed to predict the effect of missense changes on protein structure and function (PolyPhen-2) suggests that this variant is likely to be disruptive. In summary, the available evidence is currently insufficient to determine the role of this variant in disease. Therefore, it has been classified as a Variant of Uncertain Significance.